The following is an entry in ClinVar:

ClinVar aggregate classification (germline): Uncertain significance (1 of 4 stars; one submission).

Conditions:
Immunodeficiency. Identifiers: MedGen C0021051, MONDO:0021094, HP:0002721.

Submission:

Labcorp Genetics (formerly Invitae), Labcorp
Classification: Uncertain significance for Immunodeficiency. Last evaluated: 2025-09-28. Review status: criteria provided, single submitter. Criteria: Invitae Variant Classification Sherloc (09022015). Collection method: clinical testing. Allele origin: germline.
Comment: This sequence change replaces alanine, which is neutral and non-polar, with aspartic acid, which is acidic and polar, at codon 321 of the NFAT5 protein (p.Ala321Asp). This variant is not present in population databases (gnomAD no frequency). This variant has not been reported in the literature in individuals affected with NFAT5-related conditions. An algorithm developed to predict the effect of missense changes on protein structure and function (PolyPhen-2) suggests that this variant is likely to be disruptive. In summary, the available evidence is currently insufficient to determine the role of this variant in disease. Therefore, it has been classified as a Variant of Uncertain Significance.

NM_138713.4(NFAT5):c.1244C>A (p.Ala415Asp)

Gene: NFAT5 (nuclear factor of activated T cells 5; plus strand). Cytogenetic location: 16q22.1.
Variant type: single nucleotide variant.
Coding change: c.1244C>A on transcript NM_138713.4 (MANE Select); coding-DNA position 1244, C replaced by A.
Protein change: p.Ala415Asp; replaces alanine 415 with aspartic acid.
Molecular consequence: missense variant.
Genome position (GRCh38, 1-based): chr16:69,659,774, C>A. VCF-style: chr16-69659774-C-A. GRCh37 (hg19) VCF-style: chr16-69693677-C-A.
Other names: c.1244C>A, p.Ala415Asp (NM_001113178.3); c.572C>A, p.Ala191Asp (NM_001367709.1); c.1190C>A, p.Ala397Asp (NM_006599.4); c.962C>A, p.Ala321Asp (NM_138714.4, NM_173214.3, NM_173215.3); short protein forms A191D, A321D, A397D, A415D.
Identifiers: ClinVar variation 4812168 (VCV004812168.1).